The following is an entry in ClinVar:

ClinVar aggregate classification (germline): Uncertain significance. Review status: criteria provided, multiple submitters, no conflicts (2 of 4 stars). 8 submissions from 8 submitters: Uncertain significance (8). Last evaluated 2025-11-09.

Conditions:
Hereditary nonpolyposis colorectal neoplasms. Identifiers: MedGen C0009405, MeSH D003123.
Hereditary cancer-predisposing syndrome. Also called: Neoplastic Syndromes, Hereditary; Tumor predisposition; Hereditary Cancer Syndrome; Hereditary neoplastic syndrome. Identifiers: Orphanet 140162, MedGen C0027672, MeSH D009386, MONDO:0015356.
Lynch syndrome 4 (LYNCH4). Also called: Colorectal cancer, hereditary nonpolyposis, type 4; Hereditary non-polyposis colorectal cancer, type 4. Identifiers: Orphanet 144, MedGen C1838333, MONDO:0013699, OMIM 614337. Disease mechanism: loss of function.
Lynch syndrome. Identifiers: Orphanet 144, MedGen C4552100, MONDO:0005835. Disease mechanism: loss of function.

Allele frequency attached by ClinVar (database versions not stated): gnomAD exomes below 0.00001 and 0.00001; ExAC 0.00001; gnomAD 0.00004; TOPMed 0.00005; ESP Exome Variant Server 0.00008.
gnomAD v4.1: 8 of 1,611,726 alleles (0.0005%); highest among the groups gnomAD compares: African/African-American, 0.011%; no homozygotes.

Submissions (8):

Labcorp Genetics (formerly Invitae), Labcorp
Classification: Uncertain significance for Hereditary nonpolyposis colorectal neoplasms. Last evaluated: 2025-11-09. Review status: criteria provided, single submitter. Criteria: Invitae Variant Classification Sherloc (09022015). Collection method: clinical testing. Allele origin: germline.
Comment: This sequence change replaces glycine, which is neutral and non-polar, with alanine, which is neutral and non-polar, at codon 141 of the PMS2 protein (p.Gly141Ala). This variant is present in population databases (rs376931673, gnomAD 0.02%). This variant has not been reported in the literature in individuals affected with PMS2-related conditions. ClinVar contains an entry for this variant (Variation ID: 525863). Invitae Evidence Modeling incorporating data from in vitro experimental studies (internal data) indicates that this missense variant is not expected to disrupt PMS2 function with a negative predictive value of 95%. In summary, the available evidence is currently insufficient to determine the role of this variant in disease. Therefore, it has been classified as a Variant of Uncertain Significance.

Color Diagnostics, LLC DBA Color Health
Classification: Uncertain significance for Hereditary cancer-predisposing syndrome. Last evaluated: 2025-10-29. Review status: criteria provided, single submitter. Criteria: ACMG Guidelines, 2015. Collection method: clinical testing. Allele origin: germline.
Comment: This missense variant replaces glycine with alanine at codon 141 of the PMS2 protein. Computational prediction suggests that this variant may have deleterious impact on protein structure and function. To our knowledge, functional studies have not been reported for this variant. This variant has not been reported in individuals affected with PMS2-related disorders in the literature. This variant has been identified in 8/1611726 chromosomes in the general population by the Genome Aggregation Database (gnomAD). The available evidence is insufficient to determine the role of this variant in disease conclusively. Therefore, this variant is classified as a Variant of Uncertain Significance.

Ambry Genetics
Classification: Uncertain significance for Hereditary cancer-predisposing syndrome. Last evaluated: 2025-08-19. Review status: criteria provided, single submitter. Criteria: Ambry Variant Classification Scheme 2023. Collection method: clinical testing. Allele origin: germline.
Comment: The p.G141A variant (also known as c.422G>C), located in coding exon 5 of the PMS2 gene, results from a G to C substitution at nucleotide position 422. The glycine at codon 141 is replaced by alanine, an amino acid with similar properties. This variant was identified in a cohort of 3,579 African males diagnosed with prostate cancer who underwent multi-gene panel testing of 19 DNA repair and cancer predisposition genes (Matejcic M et al. JCO Precis Oncol, 2020 Jan;4:32-43). This amino acid position is highly conserved in available vertebrate species. In addition, this alteration is predicted to be deleterious by in silico analysis. Since supporting evidence is limited at this time, the clinical significance of this alteration remains unclear.

Baylor Genetics
Classification: Uncertain significance for Lynch syndrome 4. Last evaluated: 2024-03-21. Review status: criteria provided, single submitter. Criteria: ACMG Guidelines, 2015. Collection method: clinical testing. Allele origin: unknown.

All of Us Research Program, National Institutes of Health
Classification: Uncertain significance for Lynch syndrome. Last evaluated: 2023-10-23. Review status: criteria provided, single submitter. Criteria: ACMG Guidelines, 2015. Collection method: clinical testing. Allele origin: germline. Inheritance: Autosomal dominant inheritance. Observed: 3 variant alleles, 3 heterozygotes.
Comment: This missense variant replaces glycine with alanine at codon 141 of the PMS2 protein. Computational prediction tools and conservation analyses suggest that this variant may have deleterious impact on the protein function. Computational splicing tools suggest that this variant may not impact RNA splicing. To our knowledge, functional assays have not been performed for this variant nor has this variant been reported in individuals affected with hereditary cancer in the literature. This variant has been identified in 5/282530 chromosomes in the general population by the Genome Aggregation Database (gnomAD). Available evidence is insufficient to determine the role of this variant in disease conclusively. Therefore, this variant is classified as a Variant of Uncertain Significance.

This study involves interpretation of variants in research participants for the purpose of population health screening. Participant phenotype was not available at the time of variant classification. Additional details can be found in publication PMID: 35346344, PMCID: PMC8962531

GeneDx
Classification: Uncertain significance. Last evaluated: 2022-10-24. Review status: criteria provided, single submitter. Criteria: GeneDx Variant Classification Process June 2021. Collection method: clinical testing. Allele origin: germline. Affected: yes.
Comment: In silico analysis supports that this missense variant has a deleterious effect on protein structure/function; Has not been previously published as pathogenic or benign to our knowledge; This variant is associated with the following publications: (PMID: 11574484, 27016235)

Women's Health and Genetics/Laboratory Corporation of America, LabCorp
Classification: Uncertain significance. Last evaluated: 2019-11-08. Review status: criteria provided, single submitter. Criteria: LabCorp Variant Classification Summary - May 2015. Collection method: clinical testing. Allele origin: germline.
Comment: Variant summary: PMS2 c.422G>C (p.Gly141Ala) results in a non-conservative amino acid change in the encoded protein sequence. Five of five in-silico tools predict a damaging effect of the variant on protein function. The variant allele was found at a frequency of 8e-06 in 251140 control chromosomes. The available data on variant occurrences in the general population are insufficient to allow any conclusion about variant significance. To our knowledge, no occurrence of c.422G>C in individuals affected with Lynch Syndrome and no experimental evidence demonstrating its impact on protein function have been reported. Two clinical diagnostic laboratories have submitted clinical-significance assessments for this variant to ClinVar after 2014 without evidence for independent evaluation. All laboratories classified the variant as uncertain significance. Based on the evidence outlined above, the variant was classified as uncertain significance.

Quest Diagnostics Nichols Institute San Juan Capistrano
Classification: Uncertain significance. Last evaluated: 2018-06-15. Review status: criteria provided, single submitter. Criteria: Quest Diagnostics criteria. Collection method: clinical testing. Allele origin: germline.

Literature cited by the submitters: PubMed 32832836 (cited by Ambry Genetics).

NM_000535.7(PMS2):c.422G>C (p.Gly141Ala)

Gene: PMS2 (PMS1 homolog 2, mismatch repair system component; minus strand). Cytogenetic location: 7p22.1.
Variant type: single nucleotide variant.
Coding change: c.422G>C on transcript NM_000535.7 (MANE Select); coding-DNA position 422, G replaced by C.
Protein change: p.Gly141Ala; replaces glycine 141 with alanine.
Molecular consequence: missense variant. On other transcripts: 5 prime UTR variant (2), non-coding transcript variant (1).
Genome position (GRCh38, 1-based): chr7:6,002,568, C>G on the plus strand (G>C on the coding strand, the complement: PMS2 is on the minus strand). VCF-style: chr7-6002568-C-G. GRCh37 (hg19) VCF-style: chr7-6042199-C-G.
Other names: c.17G>C, p.Gly6Ala (NM_001322003.2, NM_001322004.2, NM_001322005.2 and 3 more transcripts); c.422G>C, p.Gly141Ala (NM_001322006.2, NM_001322014.2); c.104G>C, p.Gly35Ala (NM_001322007.2, NM_001322008.2); c.-463G>C (NM_001322011.2, NM_001322012.2); c.113G>C, p.Gly38Ala (NM_001322015.2); short protein forms G141A, G38A, G6A, G35A.
Identifiers: ClinVar variation 525863 (VCV000525863.29), dbSNP rs376931673, ClinGen allele CA049781.